The following is an entry in ClinVar:

NM_001349253.2(SCN11A):c.79A>G (p.Ile27Val)

Gene: SCN11A (sodium voltage-gated channel alpha subunit 11; minus strand). Cytogenetic location: 3p22.2.
Variant type: single nucleotide variant.
Coding change: c.79A>G on transcript NM_001349253.2 (MANE Select); coding-DNA position 79, A replaced by G.
Protein change: p.Ile27Val; replaces isoleucine 27 with valine.
Molecular consequence: missense variant.
Genome position (GRCh38, 1-based): chr3:38,950,284, T>C on the plus strand (A>G on the coding strand, the complement: SCN11A is on the minus strand). VCF-style: chr3-38950284-T-C. GRCh37 (hg19) VCF-style: chr3-38991775-T-C.
Other names: c.79A>G, p.Ile27Val (NM_014139.3); short protein forms I27V.
Identifiers: ClinVar variation 1761561 (VCV001761561.2), dbSNP rs2066592314, ClinGen allele CA352176852.

ClinVar aggregate classification (germline): Uncertain significance (1 of 4 stars; one submission).

Conditions:
Inborn genetic diseases. Identifiers: MedGen C0950123, MeSH D030342.

Allele frequency attached by ClinVar (database versions not stated): gnomAD exomes below 0.00001; gnomAD 0.00001.
gnomAD v4.1: 4 of 1,613,826 alleles (0.00025%); highest among the groups gnomAD compares: Non-Finnish European, 0.00034%; no homozygotes.

Submission:

Ambry Genetics
Classification: Uncertain significance for Inborn genetic diseases. Last evaluated: 2022-04-25. Review status: criteria provided, single submitter. Criteria: Ambry Variant Classification Scheme 2023. Collection method: clinical testing. Allele origin: germline.
Comment: The p.I27V variant (also known as c.79A>G), located in coding exon 1 of the SCN11A gene, results from an A to G substitution at nucleotide position 79. The isoleucine at codon 27 is replaced by valine, an amino acid with highly similar properties. This amino acid position is conserved. In addition, the in silico prediction for this alteration is inconclusive. Since supporting evidence is limited at this time, the clinical significance of this alteration remains unclear.